The following is an entry in ClinVar:

NM_006755.2(TALDO1):c.208C>T (p.Arg70Trp)

Gene: TALDO1 (transaldolase 1; plus strand). Cytogenetic location: 11p15.5.
Variant type: single nucleotide variant.
Coding change: c.208C>T on transcript NM_006755.2 (MANE Select); coding-DNA position 208, C replaced by T.
Protein change: p.Arg70Trp; replaces arginine 70 with tryptophan.
Molecular consequence: missense variant.
Genome position (GRCh38, 1-based): chr11:755,989, C>T. VCF-style: chr11-755989-C-T. GRCh37 (hg19) VCF-style: chr11-755989-C-T.
Other names: short protein forms R70W.
Identifiers: ClinVar variation 2059588 (VCV002059588.2), dbSNP rs771652130, ClinGen allele CA5788040.

ClinVar aggregate classification (germline): Uncertain significance. Review status: criteria provided, multiple submitters, no conflicts (2 of 4 stars). 2 submissions from 2 submitters: Uncertain significance (2). Last evaluated 2022-12-13.

Conditions:
Inborn genetic diseases. Identifiers: MedGen C0950123, MeSH D030342.

Allele frequency attached by ClinVar (database versions not stated): TOPMed 0.00002; ExAC 0.00004.
gnomAD v4.1: 63 of 1,613,128 alleles (0.0039%); highest among the groups gnomAD compares: Middle Eastern, 0.018%; no homozygotes.

Submissions (2):

Ambry Genetics
Classification: Uncertain significance for Inborn genetic diseases. Last evaluated: 2022-12-13. Review status: criteria provided, single submitter. Criteria: Ambry Variant Classification Scheme 2023. Collection method: clinical testing. Allele origin: germline.

Labcorp Genetics (formerly Invitae), Labcorp
Classification: Uncertain significance. Last evaluated: 2022-05-07. Review status: criteria provided, single submitter. Criteria: Invitae Variant Classification Sherloc (09022015). Collection method: clinical testing. Allele origin: germline.
Comment: This sequence change replaces arginine, which is basic and polar, with tryptophan, which is neutral and slightly polar, at codon 70 of the TALDO1 protein (p.Arg70Trp). This variant is present in population databases (rs771652130, gnomAD 0.004%). This variant has not been reported in the literature in individuals affected with TALDO1-related conditions. Algorithms developed to predict the effect of missense changes on protein structure and function are either unavailable or do not agree on the potential impact of this missense change (SIFT: "Deleterious"; PolyPhen-2: "Possibly Damaging"; Align-GVGD: "Class C0"). In summary, the available evidence is currently insufficient to determine the role of this variant in disease. Therefore, it has been classified as a Variant of Uncertain Significance.